The following is an entry in ClinVar:

NM_001903.5(CTNNA1):c.1058G>A (p.Gly353Asp)

Gene: CTNNA1 (catenin alpha 1; plus strand). Cytogenetic location: 5q31.2.
Variant type: single nucleotide variant.
Coding change: c.1058G>A on transcript NM_001903.5 (MANE Select); coding-DNA position 1058, G replaced by A.
Protein change: p.Gly353Asp; replaces glycine 353 with aspartic acid.
Molecular consequence: missense variant.
Genome position (GRCh38, 1-based): chr5:138,827,714, G>A. VCF-style: chr5-138827714-G-A. GRCh37 (hg19) VCF-style: chr5-138163403-G-A.
Other names: c.1058G>A, p.Gly353Asp (NM_001290307.3, NM_001323982.2, NM_001323983.1 and 3 more transcripts); c.749G>A, p.Gly250Asp (NM_001290309.3); c.689G>A, p.Gly230Asp (NM_001290310.3); short protein forms G353D, G250D, G230D.
Identifiers: ClinVar variation 1515916 (VCV001515916.11), dbSNP rs2149786120, ClinGen allele CA361131337.

ClinVar aggregate classification (germline): Uncertain significance. Review status: criteria provided, multiple submitters, no conflicts (2 of 4 stars). 2 submissions from 2 submitters: Uncertain significance (2). Last evaluated 2024-12-06.

Conditions:
Hereditary cancer-predisposing syndrome. Also called: Tumor predisposition; Neoplastic Syndromes, Hereditary; Hereditary neoplastic syndrome; Hereditary Cancer Syndrome. Identifiers: Orphanet 140162, MedGen C0027672, MeSH D009386, MONDO:0015356.

Submissions (2):

Ambry Genetics
Classification: Uncertain significance for Hereditary cancer-predisposing syndrome. Last evaluated: 2024-12-06. Review status: criteria provided, single submitter. Criteria: Ambry Variant Classification Scheme 2023. Collection method: clinical testing. Allele origin: germline.
Comment: The p.G353D variant (also known as c.1058G>A), located in coding exon 6 of the CTNNA1 gene, results from a G to A substitution at nucleotide position 1058. The glycine at codon 353 is replaced by aspartic acid, an amino acid with similar properties. This amino acid position is well conserved in available vertebrate species. In addition, the in silico prediction for this alteration is inconclusive. The evidence for this gene-disease relationship is limited; therefore, the clinical significance of this alteration is unclear.

Labcorp Genetics (formerly Invitae), Labcorp
Classification: Uncertain significance. Last evaluated: 2021-03-11. Review status: criteria provided, single submitter. Criteria: Invitae Variant Classification Sherloc (09022015). Collection method: clinical testing. Allele origin: germline.
Comment: Algorithms developed to predict the effect of missense changes on protein structure and function are either unavailable or do not agree on the potential impact of this missense change (SIFT: "Deleterious"; PolyPhen-2: "Benign"; Align-GVGD: "Class C0"). This variant has not been reported in the literature in individuals with CTNNA1-related conditions. This variant is not present in population databases (ExAC no frequency). In summary, the available evidence is currently insufficient to determine the role of this variant in disease. Therefore, it has been classified as a Variant of Uncertain Significance. This sequence change replaces glycine with aspartic acid at codon 353 of the CTNNA1 protein (p.Gly353Asp). The glycine residue is highly conserved and there is a moderate physicochemical difference between glycine and aspartic acid.